The following is an entry in ClinVar:

ClinVar aggregate classification (germline): Pathogenic. Review status: criteria provided, single submitter (1 of 4 stars). 3 submissions from 3 submitters: Pathogenic (1). 2 of the submissions do not count toward it. Last evaluated 2025-05-07.

Conditions:
Amyotrophic lateral sclerosis type 10 (ALS10). Also called: TARDBP-Related Amyotrophic Lateral Sclerosis-Frontotemporal Dementia; AMYOTROPHIC LATERAL SCLEROSIS 10 WITHOUT FRONTOTEMPORAL DEMENTIA AND WITH TDP43 INCLUSIONS; AMYOTROPHIC LATERAL SCLEROSIS 10 WITH OR WITHOUT FRONTOTEMPORAL DEMENTIA AND WITH TDP43 INCLUSIONS; Amyotrophic lateral sclerosis 10, with or without FTD; AMYOTROPHIC LATERAL SCLEROSIS 10 WITH OR WITHOUT FRONTOTEMPORAL DEMENTIA. Identifiers: Orphanet 275872, Orphanet 803, MedGen C2677565, MONDO:0012790, OMIM 612069.
FRONTOTEMPORAL LOBAR DEGENERATION WITH TDP43 INCLUSIONS, TARDBP-RELATED. Also called: Frontotemporal lobar degeneration, TARDBP-related. Identifiers: MedGen C3150169, OMIM 612069.

Allele frequency attached by ClinVar (database versions not stated): gnomAD exomes below 0.00001.

Submissions (3):

Labcorp Genetics (formerly Invitae), Labcorp
Classification: Pathogenic for Amyotrophic lateral sclerosis type 10; FRONTOTEMPORAL LOBAR DEGENERATION WITH TDP43 INCLUSIONS, TARDBP-RELATED. Last evaluated: 2025-05-07. Review status: criteria provided, single submitter. Criteria: Invitae Variant Classification Sherloc (09022015). Collection method: clinical testing. Allele origin: germline.
Comment: This sequence change replaces glycine, which is neutral and non-polar, with serine, which is neutral and polar, at codon 295 of the TARDBP protein (p.Gly295Ser). This variant is present in population databases (rs80356723, gnomAD 0.002%). This missense change has been observed in individuals with clinical features of TARDBP-related conditions (PMID: 19224587, 19350673, 21651514, 32409511). ClinVar contains an entry for this variant (Variation ID: 21485). Invitae Evidence Modeling of protein sequence and biophysical properties (such as structural, functional, and spatial information, amino acid conservation, physicochemical variation, residue mobility, and thermodynamic stability) indicates that this missense variant is not expected to disrupt TARDBP protein function with a negative predictive value of 80%. Experimental studies have shown that this missense change affects TARDBP function (PMID: 25090004). This variant disrupts the p.Gly295 amino acid residue in TARDBP. Other variant(s) that disrupt this residue have been determined to be pathogenic (PMID: 19224587, 20031275, 25913742, 28335005). This suggests that this residue is clinically significant, and that variants that disrupt this residue are likely to be disease-causing. For these reasons, this variant has been classified as Pathogenic.

OMIM
Classification: Pathogenic for AMYOTROPHIC LATERAL SCLEROSIS 10 WITH OR WITHOUT FRONTOTEMPORAL DEMENTIA AND WITH TDP43 INCLUSIONS. Last evaluated: 2009-04-01. Review status: no assertion criteria provided. Collection method: literature only. Allele origin: germline. Not counted in ClinVar's aggregate classification.

GeneReviews
No classification provided. Condition: Amyotrophic lateral sclerosis type 10. Review status: no classification provided. Collection method: literature only. Allele origin: germline. Affected: yes. Not counted in ClinVar's aggregate classification.
Comment: Identified in both FALS and SALS. Limited evidence of segregation.

Literature cited by the submitters: PubMed 19224587 (cited by Labcorp Genetics (formerly Invitae), Labcorp); PubMed 19350673 (cited by Labcorp Genetics (formerly Invitae), Labcorp and OMIM); PubMed 21651514 (cited by Labcorp Genetics (formerly Invitae), Labcorp); PubMed 32409511 (cited by Labcorp Genetics (formerly Invitae), Labcorp); PubMed 25090004 (cited by Labcorp Genetics (formerly Invitae), Labcorp); PubMed 20031275 (cited by Labcorp Genetics (formerly Invitae), Labcorp); PubMed 25913742 (cited by Labcorp Genetics (formerly Invitae), Labcorp); PubMed 28335005 (cited by Labcorp Genetics (formerly Invitae), Labcorp); NCBI Bookshelf NBK5942 (cited by GeneReviews).

NM_007375.4(TARDBP):c.883G>A (p.Gly295Ser)

Gene: TARDBP (TAR DNA binding protein; plus strand). Cytogenetic location: 1p36.22.
Variant type: single nucleotide variant.
Coding change: c.883G>A on transcript NM_007375.4 (MANE Select); coding-DNA position 883, G replaced by A.
Protein change: p.Gly295Ser; replaces glycine 295 with serine.
Molecular consequence: missense variant.
Genome position (GRCh38, 1-based): chr1:11,022,292, G>A. VCF-style: chr1-11022292-G-A. GRCh37 (hg19) VCF-style: chr1-11082349-G-A.
Other names: G295S.
Identifiers: ClinVar variation 21485 (VCV000021485.9), dbSNP rs80356723, ClinGen allele CA342123.